The following is an entry in ClinVar:

NM_000245.4(MET):c.1528-9T>C

Gene: MET (MET proto-oncogene, receptor tyrosine kinase; plus strand). Cytogenetic location: 7q31.2.
Variant type: single nucleotide variant.
Coding change: c.1528-9T>C on transcript NM_000245.4 (MANE Select); 9 bases into the intron before coding-DNA position 1528, T replaced by C.
Molecular consequence: intron variant.
Genome position (GRCh38, 1-based): chr7:116,740,843, T>C. VCF-style: chr7-116740843-T-C. GRCh37 (hg19) VCF-style: chr7-116380897-T-C.
Other names: c.1528-9T>C (NM_001127500.3, NM_001324401.3); c.238-9T>C (NM_001324402.2).
Identifiers: ClinVar variation 524900 (VCV000524900.11), dbSNP rs767768257, ClinGen allele CA4448199.

ClinVar aggregate classification (germline): Likely benign. Review status: criteria provided, multiple submitters, no conflicts (2 of 4 stars). 2 submissions from 2 submitters: Likely benign (2). Last evaluated 2024-11-07.

Conditions:
Papillary renal cell carcinoma type 1 (RCCP1). Also called: RENAL CELL CARCINOMA, PAPILLARY, 1, SOMATIC; Renal adenocarcinoma; Renal cell carcinoma 1; Renal cell carcinoma, somatic. Identifiers: Orphanet 47044, MedGen C1336839, OMIM 605074, HP:0011797.
Renal cell carcinoma. Identifiers: Orphanet 217071, MedGen C0007134, MeSH D002292, MONDO:0005086, HP:0005584.

Allele frequency attached by ClinVar (database versions not stated): gnomAD exomes below 0.00001 and 0.00001; ExAC 0.00001.
gnomAD v4.1: 5 of 1,613,980 alleles (0.00031%); highest among the groups gnomAD compares: South Asian, 0.0044%; no homozygotes.

Submissions (2):

Myriad Genetics, Inc.
Classification: Likely benign for Papillary renal cell carcinoma type 1. Last evaluated: 2024-11-07. Review status: criteria provided, single submitter. Criteria: Myriad Autosomal Dominant, Autosomal Recessive and X-Linked Classification Criteria (2023). Collection method: clinical testing. Allele origin: unknown.
Comment: This variant is considered likely benign. This variant is intronic and is not expected to impact mRNA splicing.

Labcorp Genetics (formerly Invitae), Labcorp
Classification: Likely benign for Renal cell carcinoma. Last evaluated: 2024-06-30. Review status: criteria provided, single submitter. Criteria: Invitae Variant Classification Sherloc (09022015). Collection method: clinical testing. Allele origin: germline.